The following is an entry in ClinVar:

NM_020812.4(DOCK6):c.5575G>A (p.Asp1859Asn)

Gene: DOCK6 (dedicator of cytokinesis 6; minus strand). Cytogenetic location: 19p13.2.
Variant type: single nucleotide variant.
Coding change: c.5575G>A on transcript NM_020812.4 (MANE Select); coding-DNA position 5575, G replaced by A.
Protein change: p.Asp1859Asn; replaces aspartic acid 1859 with asparagine.
Molecular consequence: missense variant.
Genome position (GRCh38, 1-based): chr19:11,202,002, C>T on the plus strand (G>A on the coding strand, the complement: DOCK6 is on the minus strand). VCF-style: chr19-11202002-C-T. GRCh37 (hg19) VCF-style: chr19-11312678-C-T.
Other names: c.5575G>A (NM_020812.2); c.5680G>A, p.Asp1894Asn (NM_001367830.1); short protein forms D1894N, D1859N.
Identifiers: ClinVar variation 1481302 (VCV001481302.11), dbSNP rs145128169, ClinGen allele CA9206418.

ClinVar aggregate classification (germline): Uncertain significance. Review status: criteria provided, multiple submitters, no conflicts (2 of 4 stars). 5 submissions from 5 submitters: Uncertain significance (5). Last evaluated 2026-02-01.

Conditions:
Inborn genetic diseases. Identifiers: MedGen C0950123, MeSH D030342.

Allele frequency attached by ClinVar (database versions not stated): 1000 Genomes Project 0.00040; gnomAD exomes 0.00040 and 0.00070; 1000 Genomes Project 30x 0.00047; ExAC 0.00050; TOPMed 0.00051; gnomAD 0.00057 and 0.00061; ESP Exome Variant Server 0.00078.
gnomAD v4.1: 1,101 of 1,614,046 alleles (0.068%); highest among the groups gnomAD compares: Non-Finnish European, 0.086%; 1 homozygote.

Submissions (5):

CeGaT Center for Human Genetics Tuebingen
Classification: Uncertain significance. Last evaluated: 2026-02-01. Review status: criteria provided, single submitter. Criteria: CeGaT Center For Human Genetics Tuebingen Variant Classification Criteria Version 2. Collection method: clinical testing. Allele origin: germline. Affected: yes. Observed: 1 variant allele.

Blueprint Genetics
Classification: Uncertain significance. Last evaluated: 2024-11-26. Review status: criteria provided, single submitter. Criteria: ACMG Guidelines, 2015. Collection method: clinical testing. Allele origin: germline.

Women's Health and Genetics/Laboratory Corporation of America, LabCorp
Classification: Uncertain significance. Last evaluated: 2024-11-19. Review status: criteria provided, single submitter. Criteria: LabCorp Variant Classification Summary - May 2015. Collection method: clinical testing. Allele origin: germline.
Comment: Variant summary: DOCK6 c.5575G>A (p.Asp1859Asn) results in a conservative amino acid change located in the DOCKER domain (IPR027357) of the encoded protein sequence. Four of five in-silico tools predict a benign effect of the variant on protein function. The variant allele was found at a frequency of 0.0004 in 249200 control chromosomes (gnomAD). This frequency is not significantly higher than estimated for a pathogenic variant in DOCK6 causing Adams-Oliver Syndrome 2, allowing no conclusion about variant significance. To our knowledge, no occurrence of c.5575G>A in individuals affected with Adams-Oliver Syndrome 2 and no experimental evidence demonstrating its impact on protein function have been reported. ClinVar contains an entry for this variant (Variation ID: 1481302). Based on the evidence outlined above, the variant was classified as uncertain significance.

Labcorp Genetics (formerly Invitae), Labcorp
Classification: Uncertain significance. Last evaluated: 2024-01-18. Review status: criteria provided, single submitter. Criteria: Invitae Variant Classification Sherloc (09022015). Collection method: clinical testing. Allele origin: germline.
Comment: This sequence change replaces aspartic acid, which is acidic and polar, with asparagine, which is neutral and polar, at codon 1859 of the DOCK6 protein (p.Asp1859Asn). This variant is present in population databases (rs145128169, gnomAD 0.1%), and has an allele count higher than expected for a pathogenic variant. This variant has not been reported in the literature in individuals affected with DOCK6-related conditions. ClinVar contains an entry for this variant (Variation ID: 1481302). Advanced modeling of protein sequence and biophysical properties (such as structural, functional, and spatial information, amino acid conservation, physicochemical variation, residue mobility, and thermodynamic stability) performed at Invitae indicates that this missense variant is not expected to disrupt DOCK6 protein function with a negative predictive value of 80%. In summary, the available evidence is currently insufficient to determine the role of this variant in disease. Therefore, it has been classified as a Variant of Uncertain Significance.

Ambry Genetics
Classification: Uncertain significance for Inborn genetic diseases. Last evaluated: 2021-08-23. Review status: criteria provided, single submitter. Criteria: Ambry Variant Classification Scheme 2023. Collection method: clinical testing. Allele origin: germline.